The following is an entry in ClinVar:

NM_001110556.2(FLNA):c.5275C>G (p.Pro1759Ala)

Gene: FLNA (filamin A; minus strand). Cytogenetic location: Xq28.
Variant type: single nucleotide variant.
Coding change: c.5275C>G on transcript NM_001110556.2 (MANE Select); coding-DNA position 5275, C replaced by G.
Protein change: p.Pro1759Ala; replaces proline 1759 with alanine.
Molecular consequence: missense variant.
Genome position (GRCh38, 1-based): chrX:154,354,654, G>C on the plus strand (C>G on the coding strand, the complement: FLNA is on the minus strand). VCF-style: chrX-154354654-G-C. GRCh37 (hg19) VCF-style: chrX-153583022-G-C.
Other names: c.5251C>G, p.Pro1751Ala (NM_001456.4); short protein forms P1751A, P1759A.
Identifiers: ClinVar variation 590210 (VCV000590210.5), dbSNP rs1382076574, ClinGen allele CA415206466.
Genomic context (GRCh38, chrX:154,354,654, plus strand): 5'-TCCCTAGCTGGCCAGGCCGTACCCAAGTCTGCTGGCCGCCCTGGGCGTAGGTGTACTGTG[G>C]GGCCAGCTGCTGAGACCGTAGAGGGGGCTGCACCGAGGGCTGGTCCCCAGCCAGAGCCTG-3'
Protein context (NP_001104026.1, residues 1749-1769): QPPLRSQQLA[Pro1759Ala]QYTYAQGGQQ

ClinVar aggregate classification (germline): Conflicting classifications of pathogenicity. Review status: criteria provided, conflicting classifications (1 of 4 stars). 3 submissions from 3 submitters: Uncertain significance (2); Likely benign (1). Last evaluated 2025-02-22.

Conditions:
History of neurodevelopmental disorder. Identifiers: MedGen C2711754.
Heterotopia, periventricular, X-linked dominant (PVNH1). Also called: PERIVENTRICULAR NODULAR HETEROTOPIA 4; HETEROTOPIA, PERIVENTRICULAR, 1; PERIVENTRICULAR NODULAR HETEROTOPIA 1; X-linked periventricular heterotopia. Identifiers: Orphanet 2149, Orphanet 82004, MedGen C1848213, MONDO:0010233, OMIM 300049.
Melnick-Needles syndrome (MNS). Also called: Melnick-Needles Syndrome (FLNA-MNS); MELNICK-NEEDLES OSTEODYSPLASTY; OSTEODYSPLASTY OF MELNICK AND NEEDLES. Identifiers: Orphanet 2484, MedGen C0025237, MONDO:0010650, OMIM 309350.
Frontometaphyseal dysplasia (FMD1). Identifiers: Orphanet 1826, MedGen C0265293, MONDO:0015942.
Oto-palato-digital syndrome, type II (OPD2). Also called: Otopalatodigital Syndrome Type 2 (FLNA-OPD2); Otopalatodigital Syndrome, Type II; FACIOPALATOOSSEOUS SYNDROME; OPD II SYNDROME. Identifiers: Orphanet 669, Orphanet 90652, MedGen C1844696, MONDO:0010571, OMIM 304120.

Allele frequency attached by ClinVar (database versions not stated): TOPMed 0.00001; gnomAD 0.00002.
gnomAD v4.1: 2 of 1,205,832 alleles (0.00017%); highest among the groups gnomAD compares: Non-Finnish European, 0.00022%; no homozygotes.

Submissions (3):

Labcorp Genetics (formerly Invitae), Labcorp
Classification: Uncertain significance for Oto-palato-digital syndrome, type II; Heterotopia, periventricular, X-linked dominant; Frontometaphyseal dysplasia; Melnick-Needles syndrome. Last evaluated: 2025-02-22. Review status: criteria provided, single submitter. Criteria: Invitae Variant Classification Sherloc (09022015). Collection method: clinical testing. Allele origin: germline.
Comment: This sequence change replaces proline, which is neutral and non-polar, with alanine, which is neutral and non-polar, at codon 1751 of the FLNA protein (p.Pro1751Ala). This variant is not present in population databases (gnomAD no frequency). This variant has not been reported in the literature in individuals affected with FLNA-related conditions. ClinVar contains an entry for this variant (Variation ID: 590210). Invitae Evidence Modeling of protein sequence and biophysical properties (such as structural, functional, and spatial information, amino acid conservation, physicochemical variation, residue mobility, and thermodynamic stability) indicates that this missense variant is not expected to disrupt FLNA protein function with a negative predictive value of 95%. In summary, the available evidence is currently insufficient to determine the role of this variant in disease. Therefore, it has been classified as a Variant of Uncertain Significance.

GeneDx
Classification: Uncertain significance. Last evaluated: 2023-08-01. Review status: criteria provided, single submitter. Criteria: GeneDx Variant Classification Process June 2021. Collection method: clinical testing. Allele origin: germline. Affected: yes.
Comment: Not observed at significant frequency in large population cohorts (gnomAD); In silico analysis supports that this missense variant does not alter protein structure/function; Has not been previously published as pathogenic or benign to our knowledge

Ambry Genetics
Classification: Likely benign for History of neurodevelopmental disorder. Last evaluated: 2015-10-09. Review status: criteria provided, single submitter. Criteria: Ambry Autosomal Dominant and X-Linked criteria (10/2015). Collection method: clinical testing. Allele origin: germline. Observed: 1 variant allele.
Comment: In silico models in agreement (benign);No disease association in small case-control study